The following is an entry in ClinVar:

ClinVar aggregate classification (germline): Uncertain significance (1 of 4 stars; one submission).

Submission:

GeneDx
Classification: Uncertain significance. Last evaluated: 2024-05-10. Review status: criteria provided, single submitter. Criteria: GeneDx Variant Classification Process June 2021. Collection method: clinical testing. Allele origin: germline. Affected: yes.
Comment: Not observed at significant frequency in large population cohorts (gnomAD); In silico analysis supports that this missense variant has a deleterious effect on protein structure/function; Has not been previously published as pathogenic or benign to our knowledge

NM_001286.5(CLCN6):c.635C>T (p.Ala212Val)

Gene: CLCN6 (chloride voltage-gated channel 6; plus strand). Cytogenetic location: 1p36.22.
Variant type: single nucleotide variant.
Coding change: c.635C>T on transcript NM_001286.5 (MANE Select); coding-DNA position 635, C replaced by T.
Protein change: p.Ala212Val; replaces alanine 212 with valine.
Molecular consequence: missense variant. On other transcripts: non-coding transcript variant (1).
Genome position (GRCh38, 1-based): chr1:11,824,540, C>T. VCF-style: chr1-11824540-C-T. GRCh37 (hg19) VCF-style: chr1-11884597-C-T.
Other names: c.569C>T, p.Ala190Val (NM_001256959.2); short protein forms A190V, A212V.
Identifiers: ClinVar variation 3375669 (VCV003375669.1).
Genomic context (GRCh38, chr1:11,824,540, plus strand): 5'-GCCCAGGGCTCTTCGTGGAGAAGGAAGGCCCCATGATCCACAGTGGTTCGGTGGTGGGAG[C>T]TGGCCTCCCTCAGGTAAGATGGGCTGAGAGGGTGTGGGCCTCTGGGCAGGCCTAGTGGGA-3'
Protein context (NP_001277.2, residues 202-222): PMIHSGSVVG[Ala212Val]GLPQFQSISL